The following is an entry in ClinVar:

NM_005481.3(MED16):c.2218dup (p.Ser740fs)

Gene: MED16 (mediator complex subunit 16; minus strand). Cytogenetic location: 19p13.3.
Variant type: Duplication.
Coding change: c.2218dup on transcript NM_005481.3 (MANE Select); coding-DNA position 2218, one base duplicated (A; older notation c.2218dupA).
Protein change: p.Ser740fs; shifts the reading frame from serine 740.
Molecular consequence: frameshift variant.
Genome position (GRCh38, 1-based): chr19:871,134, T duplicated on the plus strand (A on the coding strand, the reverse complement: MED16 is on the minus strand). VCF-style (leftmost placement, unchanged base first): chr19-871133-C-CT. GRCh37 (hg19) VCF-style: chr19-871133-C-CT.
Other names: short protein forms S740fs.
Identifiers: ClinVar variation 5017105 (VCV005017105.1).

ClinVar aggregate classification (germline): Uncertain significance (1 of 4 stars; one submission).

Submission:

GeneDx
Classification: Uncertain significance. Last evaluated: 2026-03-26. Review status: criteria provided, single submitter. Criteria: GeneDx Variant Classification Process June 2021. Collection method: clinical testing. Allele origin: germline.
Comment: Has not been previously published as pathogenic or benign to our knowledge; Frameshift variant predicted to result in abnormal protein length as the last 138 amino acid(s) are replaced with 91 different amino acid(s) with an unclear effect on protein function